The following is an entry in ClinVar:

NM_004369.4(COL6A3):c.5270A>C (p.Glu1757Ala)

Gene: COL6A3 (collagen type VI alpha 3 chain; minus strand). Cytogenetic location: 2q37.3.
Variant type: single nucleotide variant.
Coding change: c.5270A>C on transcript NM_004369.4 (MANE Select); coding-DNA position 5270, A replaced by C.
Protein change: p.Glu1757Ala; replaces glutamic acid 1757 with alanine.
Molecular consequence: missense variant.
Genome position (GRCh38, 1-based): chr2:237,366,917, T>G on the plus strand (A>C on the coding strand, the complement: COL6A3 is on the minus strand). VCF-style: chr2-237366917-T-G. GRCh37 (hg19) VCF-style: chr2-238275560-T-G.
Other names: c.3449A>C, p.Glu1150Ala (NM_057166.5); c.4652A>C, p.Glu1551Ala (NM_057167.4); short protein forms E1150A, E1551A, E1757A.
Identifiers: ClinVar variation 3066269 (VCV003066269.1), dbSNP rs2469883472, ClinGen allele CA351187832.

ClinVar aggregate classification (germline): Uncertain significance (1 of 4 stars; one submission).

Conditions:
Ullrich congenital muscular dystrophy 1A. Also called: Ullrich congenital muscular dystrophy 1; Intermediate COL6-RD. Identifiers: Orphanet 75840, MedGen C0410179, MONDO:0009681, OMIM 254090.

Submission:

MVZ Medizinische Genetik Mainz
Classification: Uncertain significance for Ullrich congenital muscular dystrophy 1A. Last evaluated: 2022-03-31. Review status: criteria provided, single submitter. Criteria: UK Practice Guidelines For Variant Classification V4 01 2020. Collection method: clinical testing. Allele origin: germline. Inheritance: Autosomal dominant inheritance. Observed: 1 variant allele.
Comment: ACMG Criteria: PM2_SUP, PP3